The following is an entry in ClinVar:

ClinVar aggregate classification (germline): Benign/Likely benign. Review status: criteria provided, multiple submitters, no conflicts (2 of 4 stars). 3 submissions from 3 submitters: Benign (1); Likely benign (2). Last evaluated 2026-01-28.

Conditions:
Osteogenesis imperfecta type 6. Also called: Osteogenesis imperfecta, type VI. Identifiers: Orphanet 666, MedGen C3279564, MONDO:0013515, OMIM 613982.

Allele frequency attached by ClinVar (database versions not stated): ESP Exome Variant Server 0.00008; TOPMed 0.00031; 1000 Genomes Project 30x 0.00125; 1000 Genomes Project 0.00140.

Submissions (3):

Labcorp Genetics (formerly Invitae), Labcorp
Classification: Likely benign. Last evaluated: 2026-01-28. Review status: criteria provided, single submitter. Criteria: Invitae Variant Classification Sherloc (09022015). Collection method: clinical testing. Allele origin: germline.

Blueprint Genetics
Classification: Likely benign. Last evaluated: 2024-11-06. Review status: criteria provided, single submitter. Criteria: ACMG Guidelines, 2015. Collection method: clinical testing. Allele origin: germline.

Illumina Laboratory Services, Illumina
Classification: Benign for Osteogenesis imperfecta type 6. Last evaluated: 2017-04-28. Review status: criteria provided, single submitter. Criteria: ICSL Variant Classification Criteria 13 December 2019. Collection method: clinical testing. Allele origin: germline.
Comment: This variant was observed as part of a predisposition screen in an ostensibly healthy population. A literature search was performed for the gene, cDNA change, and amino acid change (where applicable). Publications were found based on this search. The evidence from the literature, in combination with allele frequency data from public databases where available, was sufficient to rule this variant out of causing disease. Therefore, this variant is classified as benign.

Literature cited by the submitters: PubMed 27056980 (cited by Illumina Laboratory Services, Illumina).

NM_002615.7(SERPINF1):c.167C>G (p.Ala56Gly)

Genes: SERPINF1 (serpin family F member 1; plus strand), LOC130059891 (ATAC-STARR-seq lymphoblastoid active region 11456; plus strand). Cytogenetic location: 17p13.3.
Variant type: single nucleotide variant.
Coding change: c.167C>G on transcript NM_002615.7 (MANE Select); coding-DNA position 167, C replaced by G.
Protein change: p.Ala56Gly; replaces alanine 56 with glycine.
Molecular consequence: missense variant. On other transcripts: 5 prime UTR variant (1).
Genome position (GRCh38, 1-based): chr17:1,769,934, C>G. VCF-style: chr17-1769934-C-G. GRCh37 (hg19) VCF-style: chr17-1673228-C-G.
Other names: c.167C>G, p.Ala56Gly (NM_001329903.2); c.-395C>G (NM_001329904.2); short protein forms A56G.
Identifiers: ClinVar variation 890648 (VCV000890648.12), dbSNP rs76119062, ClinGen allele CA8274556.